The following is an entry in ClinVar:

ClinVar aggregate classification (germline): Benign (0 of 4 stars; one submission).

Conditions:
KLKB1-related disorder. Also called: KLKB1-related condition.

Allele frequency attached by ClinVar (database versions not stated): gnomAD exomes 0.00021; ExAC 0.00081; 1000 Genomes Project 0.00240; 1000 Genomes Project 30x 0.00250; gnomAD 0.00271; TOPMed 0.00290; ESP Exome Variant Server 0.00346.
gnomAD v4.1: 731 of 1,613,324 alleles (0.045%); highest among the groups gnomAD compares: African/African-American, 0.87%; 4 homozygotes.

Submission:

PreventionGenetics, part of Exact Sciences
Classification: Benign for KLKB1-related condition. Last evaluated: 2019-05-02. Review status: no assertion criteria provided. Collection method: clinical testing. Allele origin: germline.
Comment: This variant is classified as benign based on ACMG/AMP sequence variant interpretation guidelines (Richards et al. 2015 PMID: 25741868, with internal and published modifications).

NM_000892.5(KLKB1):c.1314-6T>C

Gene: KLKB1 (kallikrein B1; plus strand). Cytogenetic location: 4q35.2.
Variant type: single nucleotide variant.
Coding change: c.1314-6T>C on transcript NM_000892.5 (MANE Select); 6 bases into the intron before coding-DNA position 1314, T replaced by C.
Molecular consequence: intron variant.
Genome position (GRCh38, 1-based): chr4:186,254,582, T>C. VCF-style: chr4-186254582-T-C. GRCh37 (hg19) VCF-style: chr4-187175736-T-C.
Other names: c.708-6T>C (NM_001318396.2); c.1200-6T>C (NM_001318394.2).
Identifiers: ClinVar variation 3037807 (VCV003037807.2), dbSNP rs137946969, ClinGen allele CA3163368.